The following is an entry in ClinVar:

NM_003738.5(PTCH2):c.2125G>A (p.Asp709Asn)

Gene: PTCH2 (patched 2; minus strand). Cytogenetic location: 1p34.1.
Variant type: single nucleotide variant.
Coding change: c.2125G>A on transcript NM_003738.5 (MANE Select); coding-DNA position 2125, G replaced by A.
Protein change: p.Asp709Asn; replaces aspartic acid 709 with asparagine.
Molecular consequence: missense variant.
Genome position (GRCh38, 1-based): chr1:44,827,648, C>T on the plus strand (G>A on the coding strand, the complement: PTCH2 is on the minus strand). VCF-style: chr1-44827648-C-T. GRCh37 (hg19) VCF-style: chr1-45293320-C-T.
Other names: c.2125G>A, p.Asp709Asn (NM_001166292.2); short protein forms D709N.
Identifiers: ClinVar variation 3617618 (VCV003617618.2).
Genomic context (GRCh38, chr1:44,827,648, plus strand): 5'-CGCTCAGGAAGGCATGCTCCTTGGTGCCCCGAGGCACCACATCCGTCAGGGCCAGGCCGT[C>T]TTGCACCAAGGTGGCTCCGTAGAGGCTCAGGCCCAGAAGAGCACCAAAGAGCACCAGCAC-3'
Protein context (NP_003729.3, residues 699-719): LSLYGATLVQ[Asp709Asn]GLALTDVVPR

ClinVar aggregate classification (germline): Uncertain significance (1 of 4 stars; one submission).

Conditions:
Gorlin syndrome. Also called: Basal cell nevus syndrome; Nevoid Basal Cell Carcinoma Syndrome. Identifiers: Orphanet 377, MedGen C0004779, MONDO:0007187.

Submission:

Labcorp Genetics (formerly Invitae), Labcorp
Classification: Uncertain significance for Gorlin syndrome. Last evaluated: 2025-01-05. Review status: criteria provided, single submitter. Criteria: Invitae Variant Classification Sherloc (09022015). Collection method: clinical testing. Allele origin: germline.
Comment: This sequence change replaces aspartic acid, which is acidic and polar, with asparagine, which is neutral and polar, at codon 709 of the PTCH2 protein (p.Asp709Asn). This variant is not present in population databases (gnomAD no frequency). This variant has not been reported in the literature in individuals affected with PTCH2-related conditions. Invitae Evidence Modeling of protein sequence and biophysical properties (such as structural, functional, and spatial information, amino acid conservation, physicochemical variation, residue mobility, and thermodynamic stability) indicates that this missense variant is not expected to disrupt PTCH2 protein function with a negative predictive value of 80%. In summary, the available evidence is currently insufficient to determine the role of this variant in disease. Therefore, it has been classified as a Variant of Uncertain Significance.